The following is an entry in ClinVar:

NM_001148.6(ANK2):c.9239C>G (p.Pro3080Arg)

Gene: ANK2 (ankyrin 2; plus strand). Cytogenetic location: 4q26.
Variant type: single nucleotide variant.
Coding change: c.9239C>G on transcript NM_001148.6 (MANE Select); coding-DNA position 9239, C replaced by G.
Protein change: p.Pro3080Arg; replaces proline 3080 with arginine.
Molecular consequence: missense variant. On other transcripts: intron variant (68).
Genome position (GRCh38, 1-based): chr4:113,357,857, C>G. VCF-style: chr4-113357857-C-G. GRCh37 (hg19) VCF-style: chr4-114279013-C-G.
Other names: c.4397-2966C>G (NM_001354239.2, NM_001354252.2); c.4298-2966C>G (NM_001354272.2); c.4361-2966C>G (NM_001354244.2, NM_001354256.2, NM_001386161.1); c.4400-2966C>G (NM_001127493.3); c.4364-2966C>G (NM_001386143.1, NM_001354243.2, NM_001354255.2); c.4265-2966C>G (NM_001354262.2, NM_001354275.2, NM_001354245.2); c.4202-2966C>G (NM_001354253.2, NM_001354270.2); c.4166-2966C>G (NM_001354257.2, NM_001386156.1); and 35 more; short protein forms P1880R, P3002R, P3119R, P3127R, P3080R.
Identifiers: ClinVar variation 3864218 (VCV003864218.1).

ClinVar aggregate classification (germline): Uncertain significance (1 of 4 stars; one submission).

Conditions:
Cardiovascular phenotype. Identifiers: MedGen CN230736.

Submission:

Ambry Genetics
Classification: Uncertain significance for Cardiovascular phenotype. Last evaluated: 2025-02-06. Review status: criteria provided, single submitter. Criteria: Ambry Variant Classification Scheme 2023. Collection method: clinical testing. Allele origin: germline.
Comment: The p.P3080R variant (also known as c.9239C>G), located in coding exon 38 of the ANK2 gene, results from a C to G substitution at nucleotide position 9239. The proline at codon 3080 is replaced by arginine, an amino acid with dissimilar properties. This amino acid position is conserved. In addition, this alteration is predicted to be deleterious by in silico analysis. Based on the available evidence, the clinical significance of this variant remains unclear.